The following is an entry in ClinVar:

NM_000168.6(GLI3):c.2000G>A (p.Arg667Gln)

Gene: GLI3 (GLI family zinc finger 3; minus strand). Cytogenetic location: 7p14.1.
Variant type: single nucleotide variant.
Coding change: c.2000G>A on transcript NM_000168.6 (MANE Select); coding-DNA position 2000, G replaced by A.
Protein change: p.Arg667Gln; replaces arginine 667 with glutamine.
Molecular consequence: missense variant.
Genome position (GRCh38, 1-based): chr7:41,972,440, C>T on the plus strand (G>A on the coding strand, the complement: GLI3 is on the minus strand). VCF-style: chr7-41972440-C-T. GRCh37 (hg19) VCF-style: chr7-42012039-C-T.
Other names: c.2000G>A (NM_000168.5); short protein forms R667Q.
Identifiers: ClinVar variation 2149763 (VCV002149763.8), dbSNP rs373926115, ClinGen allele CA4230711.

ClinVar aggregate classification (germline): Conflicting classifications of pathogenicity. Review status: criteria provided, conflicting classifications (1 of 4 stars). 5 submissions from 5 submitters: Uncertain significance (3); Likely benign (2). Last evaluated 2024-12-26.

Conditions:
GLI3-related disorder. Also called: GLI3-related condition; GLI3-related disorders. Identifiers: MedGen CN239292.
Inborn genetic diseases. Identifiers: MedGen C0950123, MeSH D030342.
Greig cephalopolysyndactyly syndrome (GCPS). Also called: GLI3-Related Greig Cephalopolysyndactyly Syndrome; POLYSYNDACTYLY WITH PECULIAR SKULL SHAPE; Greig syndrome. Identifiers: Orphanet 380, MedGen C0265306, MONDO:0008287, OMIM 175700.
Pallister-Hall syndrome (PHS). Also called: GLI3-Related Pallister-Hall Syndrome; HYPOTHALAMIC HAMARTOBLASTOMA, HYPOPITUITARISM, IMPERFORATE ANUS, AND POSTAXIAL POLYDACTYLY. Identifiers: Orphanet 672, MedGen C0265220, MONDO:0007804, OMIM 146510.
Polysyndactyly 4. Also called: Polysyndactyly uncomplicated; Preaxial polydactyly 4. Identifiers: Orphanet 93338, MedGen C1868111, MONDO:0008272, OMIM 174700.
Polydactyly, postaxial, type A1. Identifiers: MedGen C4282400, MONDO:0008266, OMIM 174200.

Allele frequency attached by ClinVar (database versions not stated): ESP Exome Variant Server 0.00008.
gnomAD v4.1: 11 of 1,613,376 alleles (0.00068%); highest among the groups gnomAD compares: Admixed American, 0.005%; no homozygotes.

Submissions (5):

GeneDx
Classification: Uncertain significance. Last evaluated: 2024-12-26. Review status: criteria provided, single submitter. Criteria: GeneDx Variant Classification Process June 2021. Collection method: clinical testing. Allele origin: germline. Affected: yes.
Comment: In silico analysis indicates that this missense variant does not alter protein structure/function; Has not been previously published as pathogenic or benign to our knowledge

PreventionGenetics, part of Exact Sciences
Classification: Likely benign for GLI3-related condition. Last evaluated: 2024-11-22. Review status: criteria provided, single submitter. Criteria: ACMG Guidelines, 2015. Collection method: clinical testing. Allele origin: germline.
Comment: This variant is classified as likely benign based on ACMG/AMP sequence variant interpretation guidelines (Richards et al. 2015 PMID: 25741868, with internal and published modifications).

Ambry Genetics
Classification: Uncertain significance for Inborn genetic diseases. Last evaluated: 2024-06-17. Review status: criteria provided, single submitter. Criteria: Ambry Variant Classification Scheme 2023. Collection method: clinical testing. Allele origin: germline.

Fulgent Genetics
Classification: Uncertain significance for Pallister-Hall syndrome; Polydactyly, postaxial, type A1; Polysyndactyly 4; Greig cephalopolysyndactyly syndrome. Last evaluated: 2024-05-14. Review status: criteria provided, single submitter. Criteria: ACMG Guidelines, 2015. Collection method: clinical testing. Allele origin: germline.

Labcorp Genetics (formerly Invitae), Labcorp
Classification: Likely benign for Pallister-Hall syndrome; Greig cephalopolysyndactyly syndrome. Last evaluated: 2022-09-30. Review status: criteria provided, single submitter. Criteria: Invitae Variant Classification Sherloc (09022015). Collection method: clinical testing. Allele origin: germline.